The following is an entry in ClinVar:

NM_001431.4(EPB41L2):c.1421_1422del (p.Lys474fs)

Gene: EPB41L2 (erythrocyte membrane protein band 4.1 like 2; minus strand). Cytogenetic location: 6q23.1.
Variant type: Deletion.
Coding change: c.1421_1422del on transcript NM_001431.4 (MANE Select); coding-DNA positions 1421 to 1422, 2 bases deleted (AA; older notation c.1421_1422delAA).
Protein change: p.Lys474fs; shifts the reading frame from lysine 474.
Molecular consequence: frameshift variant. On other transcripts: non-coding transcript variant (1).
Genome position (GRCh38, 1-based): chr6:130,894,409-130,894,410, TT deleted on the plus strand (AA on the coding strand, the reverse complement: EPB41L2 is on the minus strand); deleting any 2 consecutive bases within chr6:130,894,409-130,894,411 gives the same sequence; the c. name uses the placement nearest the transcript's 3' end. VCF-style (leftmost placement, unchanged base first): chr6-130894408-GTT-G. GRCh37 (hg19) VCF-style: chr6-131215548-GTT-G.
Other names: c.1421_1422del, p.Lys474fs (NM_001135554.2, NM_001135555.4, NM_001199388.3 and 17 more transcripts); c.215_216del, p.Lys72fs (NM_001350320.2); short protein forms K474fs, K72fs.
Identifiers: ClinVar variation 2501745 (VCV002501745.1), dbSNP rs2482001391, ClinGen allele CA2580615771.
Genomic context (GRCh38, chr6:130,894,408, plus strand): 5'-AGAAAGTATGATGCTCCACGCACACTTTCCATAGTCTTTTCGCTGCCCGGTGGTTTGGCA[GTT>G]TGAATCCAATGGTACTCTCAAACTGTTCCAGCTGGAATAAATCCGTAAAACAAATCAGCA-3'

ClinVar aggregate classification (germline): Uncertain significance (1 of 4 stars; one submission).

Submission:

Center for Genomics, Ann and Robert H. Lurie Children's Hospital of Chicago
Classification: Uncertain significance. Last evaluated: 2021-03-30. Review status: criteria provided, single submitter. Criteria: ACMG Guidelines, 2015. Collection method: clinical testing. Allele origin: germline.
Comment: EPB41L2 NM_001350320.1 exon 8 p.Lys72Thrfs*44 (c.215_216del): This variant has not been reported in the literature and is not present in large control databases. Evolutionary conservation and computational predictive tools for this variant are limited or unavailable. This variant is a deletion of 2 nucleotides at position 215 and creates a premature stop codon 44 amino acids downstream from this location which results in an absent or abnormal protein. However, there is insufficient evidence to establish loss of function (LOF) as a known mechanism of disease. In summary, data on this variant is insufficient for disease classification. Therefore, the clinical significance of this variant is uncertain.